The following is an entry in ClinVar:

ClinVar aggregate classification (germline): Uncertain significance. Review status: criteria provided, multiple submitters, no conflicts (2 of 4 stars). 3 submissions from 3 submitters: Uncertain significance (2). 1 of the submissions does not count toward it. Last evaluated 2026-02-04.

Conditions:
Supravalvar aortic stenosis (SVAS). Also called: Supravalvar aortic stenosis, Eisenberg type. Identifiers: Orphanet 3193, MedGen C0003499, MONDO:0008504, OMIM 185500, HP:0004381.
ELN-related disorder.

Allele frequency attached by ClinVar (database versions not stated): gnomAD 0.00002 and 0.00003; gnomAD exomes 0.00002; ExAC 0.00004; TOPMed 0.00004; 1000 Genomes Project 30x 0.00016.
gnomAD v4.1: 53 of 1,613,880 alleles (0.0033%); highest among the groups gnomAD compares: Middle Eastern, 0.25%; no homozygotes.

Submissions (3):

Labcorp Genetics (formerly Invitae), Labcorp
Classification: Uncertain significance for Supravalvar aortic stenosis. Last evaluated: 2026-02-04. Review status: criteria provided, single submitter. Criteria: Invitae Variant Classification Sherloc (09022015). Collection method: clinical testing. Allele origin: germline.
Comment: This sequence change replaces alanine, which is neutral and non-polar, with threonine, which is neutral and polar, at codon 736 of the ELN protein (p.Ala736Thr). This variant is present in population databases (rs782535492, gnomAD 0.004%). This variant has not been reported in the literature in individuals affected with ELN-related conditions. ClinVar contains an entry for this variant (Variation ID: 1021011). Invitae Evidence Modeling of protein sequence and biophysical properties (such as structural, functional, and spatial information, amino acid conservation, physicochemical variation, residue mobility, and thermodynamic stability) indicates that this missense variant is not expected to disrupt ELN protein function with a negative predictive value of 80%. In summary, the available evidence is currently insufficient to determine the role of this variant in disease. Therefore, it has been classified as a Variant of Uncertain Significance.

Women's Health and Genetics/Laboratory Corporation of America, LabCorp
Classification: Uncertain significance. Last evaluated: 2025-07-14. Review status: criteria provided, single submitter. Criteria: LabCorp Variant Classification Summary - May 2015. Collection method: clinical testing. Allele origin: germline.
Comment: Variant summary: ELN c.2206G>A (p.Ala736Thr) results in a non-conservative amino acid change in the encoded protein sequence. Algorithms developed to predict the effect of missense changes on protein structure and function are either unavailable or do not agree on the potential impact of this missense change. The variant allele was found at a frequency of 2.4e-05 in 251428 control chromosomes (gnomAD). The available data on variant occurrences in the general population are insufficient to allow any conclusion about variant significance. c.2206G>A has been observed in individuals affected with Thoracic aortic aneurysm or dissection (TAAD), however this patient also carried a potentially pathogenic variant in the FBN1 gene, which could explain the phenotype (Li_2021). These report(s) do not provide unequivocal conclusions about association of the variant with Supravalvar Aortic Stenosis. To our knowledge, no experimental evidence demonstrating an impact on protein function has been reported. The following publication has been ascertained in the context of this evaluation (PMID: 34150014). ClinVar contains an entry for this variant (Variation ID: 1021011). Based on the evidence outlined above, the variant was classified as uncertain significance.

PreventionGenetics, part of Exact Sciences
Classification: Uncertain significance for ELN-related condition. Last evaluated: 2023-10-25. Review status: no assertion criteria provided. Collection method: clinical testing. Allele origin: germline. Not counted in ClinVar's aggregate classification.
Comment: The ELN c.2020G>A variant is predicted to result in the amino acid substitution p.Ala674Thr. To our knowledge, this variant has not been reported in the literature. This variant is reported in 0.0046% of alleles in individuals of European (Non-Finnish) descent in gnomAD. At this time, the clinical significance of this variant is uncertain due to the absence of conclusive functional and genetic evidence.

Literature cited by the submitters: PubMed 34150014 (cited by Women's Health and Genetics/Laboratory Corporation of America, LabCorp).

NM_000501.4(ELN):c.2020G>A (p.Ala674Thr)

Gene: ELN (elastin; plus strand). Cytogenetic location: 7q11.23.
Variant type: single nucleotide variant.
Coding change: c.2020G>A on transcript NM_000501.4 (MANE Select); coding-DNA position 2020, G replaced by A.
Protein change: p.Ala674Thr; replaces alanine 674 with threonine.
Molecular consequence: missense variant.
Genome position (GRCh38, 1-based): chr7:74,065,720, G>A. VCF-style: chr7-74065720-G-A. GRCh37 (hg19) VCF-style: chr7-73480050-G-A.
Other names: c.1933G>A, p.Ala645Thr (NM_001081752.3); c.1978G>A, p.Ala660Thr (NM_001081753.3); c.2035G>A, p.Ala679Thr (NM_001081754.3); c.1963G>A, p.Ala655Thr (NM_001081755.3); c.2020G>A, p.Ala674Thr (NM_001278912.2); c.1777G>A, p.Ala593Thr (NM_001278913.2); c.1948G>A, p.Ala650Thr (NM_001278914.2); c.2038G>A, p.Ala680Thr (NM_001278915.2); and 5 more; short protein forms A585T, A593T, A626T, A645T, A650T, A655T, A660T, A664T.
Identifiers: ClinVar variation 1021011 (VCV001021011.12), dbSNP rs782535492, ClinGen allele CA4293343.
Genomic context (GRCh38, chr7:74,065,720, plus strand): 5'-CATTCCTGAGCCGTCATGTGCCTCATCTCCCCAGGTATACCTCCAGCTGCAGCCGCTAAA[G>A]CAGCTAAATACGGTGAGTTCCCCTCTGATGCCTTCCTGCCAGTGGCCTGCACCCCCTGCC-3'
Protein context (NP_000492.2, residues 664-684): GGIPPAAAAK[Ala674Thr]AKYGAAGLGG